The following is an entry in ClinVar:

NM_020922.5(WNK3):c.31A>G (p.Thr11Ala)

Gene: WNK3 (WNK lysine deficient protein kinase 3; minus strand). Cytogenetic location: Xp11.22.
Variant type: single nucleotide variant.
Coding change: c.31A>G on transcript NM_020922.5 (MANE Select); coding-DNA position 31, A replaced by G.
Protein change: p.Thr11Ala; replaces threonine 11 with alanine.
Molecular consequence: missense variant.
Genome position (GRCh38, 1-based): chrX:54,333,643, T>C on the plus strand (A>G on the coding strand, the complement: WNK3 is on the minus strand). VCF-style: chrX-54333643-T-C. GRCh37 (hg19) VCF-style: chrX-54360076-T-C.
Other names: c.31A>G, p.Thr11Ala (NM_001002838.4, NM_001395166.1); short protein forms T11A.
Identifiers: ClinVar variation 3906569 (VCV003906569.1).

ClinVar aggregate classification (germline): Uncertain significance (1 of 4 stars; one submission).

Submission:

GeneDx
Classification: Uncertain significance. Last evaluated: 2024-12-17. Review status: criteria provided, single submitter. Criteria: GeneDx Variant Classification Process June 2021. Collection method: clinical testing. Allele origin: germline. Affected: yes.
Comment: Not observed at significant frequency in large population cohorts (gnomAD); In silico analysis indicates that this missense variant does not alter protein structure/function; Has not been previously published as pathogenic or benign to our knowledge